The following is an entry in ClinVar:

NM_005159.5(ACTC1):c.352C>T (p.Arg118Trp)

Genes: ACTC1 (actin alpha cardiac muscle 1; minus strand), GJD2-DT (GJD2 divergent transcript; plus strand). Cytogenetic location: 15q14.
Variant type: single nucleotide variant.
Coding change: c.352C>T on transcript NM_005159.5 (MANE Select); coding-DNA position 352, C replaced by T.
Protein change: p.Arg118Trp; replaces arginine 118 with tryptophan.
Molecular consequence: missense variant. On other transcripts: 5 prime UTR variant (1).
Genome position (GRCh38, 1-based): chr15:34,793,347, G>A on the plus strand (C>T on the coding strand, the complement: ACTC1 is on the minus strand). VCF-style: chr15-34793347-G-A. GRCh37 (hg19) VCF-style: chr15-35085548-G-A.
Other names: c.352C>T, p.Arg118Trp (NM_001406482.1, NM_001406483.1); c.217C>T, p.Arg73Trp (NM_001406484.1); c.-37C>T (NM_001406485.1); short protein forms R118W, R73W.
Identifiers: ClinVar variation 4992072 (VCV004992072.1).

ClinVar aggregate classification (germline): Uncertain significance (1 of 4 stars; one submission).

Conditions:
ACTC1-related disorder. Also called: ACTC1-related condition.

Submission:

PreventionGenetics, part of Exact Sciences
Classification: Uncertain significance for ACTC1-related condition. Last evaluated: 2026-06-04. Review status: criteria provided, single submitter. Criteria: ACMG Guidelines, 2015. Collection method: clinical testing. Allele origin: germline.
Comment: The ACTC1 c.352C>T variant is predicted to result in the amino acid substitution p.Arg118Trp. To our knowledge, this variant has not been reported in the literature or in a large population database (gnomAD), indicating this variant is rare. At this time, the clinical significance of this variant is uncertain due to the absence of conclusive functional and genetic evidence.